The following is an entry in ClinVar:

ClinVar aggregate classification (germline): Pathogenic (0 of 4 stars; one submission).

Conditions:
Fanconi anemia complementation group A (FANCA). Also called: Fanconi anemia, group A; FANCA-Related Fanconi Anemia. Identifiers: Orphanet 84, MedGen C3469521, MONDO:0009215, OMIM 227650.

Submission:

Leiden Open Variation Database
Classification: Pathogenic for Fanconi anemia complementation group A. Last evaluated: 2020-02-28. Review status: no assertion criteria provided. Collection method: curation. Allele origin: germline. Affected: yes.
Comment: Curator: Arleen D. Auerbach. Submitter to LOVD: Arleen D. Auerbach.

Literature cited by the submitters: PubMed 10521298.

NC_000016.10:g.89752141_89762025del

Gene: FANCA (FA complementation group A; minus strand). Cytogenetic location: 16q24.3.
Variant type: Deletion.
Genome position: GRCh38: chr16:89,752,141-89,762,025. GRCh37 (hg19): chr16:89,818,549-89,828,433.
Identifiers: ClinVar variation 974343 (VCV000974343.2), ClinGen allele CA1139665038.